The following is an entry in ClinVar:

NM_001367479.1(DNAH14):c.9185_9188del (p.Lys3062fs)

Gene: DNAH14 (dynein axonemal heavy chain 14; plus strand). Cytogenetic location: 1q42.12.
Variant type: Deletion.
Coding change: c.9185_9188del on transcript NM_001367479.1 (MANE Select); coding-DNA positions 9185 to 9188, 4 bases deleted (AACA; older notation c.9185_9188delAACA).
Protein change: p.Lys3062fs; shifts the reading frame from lysine 3062.
Molecular consequence: frameshift variant.
Genome position (GRCh38, 1-based): chr1:225,308,355-225,308,358, AACA deleted; deleting any 4 consecutive bases within chr1:225,308,354-225,308,358 gives the same sequence; the c. name uses the placement nearest the transcript's 3' end. VCF-style (leftmost placement, unchanged base first): chr1-225308353-TAAAC-T. GRCh37 (hg19) VCF-style: chr1-225496055-TAAAC-T.
Other names: NM_001373.1:c.8906_8909del; short protein forms K3062fs.
Identifiers: ClinVar variation 2580844 (VCV002580844.1), dbSNP rs2094292389, ClinGen allele CA1012853157.

ClinVar aggregate classification (germline): Uncertain significance (1 of 4 stars; one submission).

Submission:

GeneDx
Classification: Uncertain significance. Last evaluated: 2023-03-09. Review status: criteria provided, single submitter. Criteria: GeneDx Variant Classification Process June 2021. Collection method: clinical testing. Allele origin: germline. Affected: yes.
Comment: Not observed at significant frequency in large population cohorts (gnomAD); Frameshift variant predicted to result in protein truncation or nonsense mediated decay in a gene or region of a gene for which loss of function is not a well-established mechanism of disease; Has not been previously published as pathogenic or benign to our knowledge